The following is an entry in ClinVar:

NM_001261826.3(AP3D1):c.1938C>T (p.His646=)

Gene: AP3D1 (adaptor related protein complex 3 subunit delta 1; minus strand). Cytogenetic location: 19p13.3.
Variant type: single nucleotide variant.
Coding change: c.1938C>T on transcript NM_001261826.3 (MANE Select); coding-DNA position 1938, C replaced by T.
Protein change: p.His646=; no amino-acid change (histidine 646 retained).
Molecular consequence: synonymous variant.
Genome position (GRCh38, 1-based): chr19:2,116,668, G>A on the plus strand (C>T on the coding strand, the complement: AP3D1 is on the minus strand). VCF-style: chr19-2116668-G-A. GRCh37 (hg19) VCF-style: chr19-2116667-G-A.
Other names: p.His646=; c.1938C>T, p.His646= (NM_001374799.1, NM_003938.8); c.1938C>T (NM_001261826.1).
Identifiers: ClinVar variation 2419639 (VCV002419639.10), dbSNP rs554206520, ClinGen allele CA9059117.
Genomic context (GRCh38, chr19:2,116,668, plus strand): 5'-AGCCAGCTCTTCCTCGTCCGCCTCCGACGGCCGGTGCTTGGGACGCCGCTGCTCCTCCTC[G>A]TGGAAGACGGCCCTGGGCCTCTCGTCCTCTGACTCGCTGTCCGAGAGTGGCTCATTGATC-3'
Protein context (NP_001248755.1, residues 636-656): SEDERPRAVF[His646=]EEEQRRPKHR

ClinVar aggregate classification (germline): Likely benign. Review status: criteria provided, multiple submitters, no conflicts (2 of 4 stars). 4 submissions from 4 submitters: Likely benign (4). Last evaluated 2026-01-05.

Conditions:
AP3D1-related disorder. Also called: AP3D1-related condition.

Allele frequency attached by ClinVar (database versions not stated): gnomAD 0.00006; ExAC 0.00011; 1000 Genomes Project 30x 0.00016; 1000 Genomes Project 0.00020.
gnomAD v4.1: 71 of 1,607,754 alleles (0.0044%); highest among the groups gnomAD compares: East Asian, 0.067%; 1 homozygote.

Submissions (4):

Labcorp Genetics (formerly Invitae), Labcorp
Classification: Likely benign. Last evaluated: 2026-01-05. Review status: criteria provided, single submitter. Criteria: Invitae Variant Classification Sherloc (09022015). Collection method: clinical testing. Allele origin: germline.

PreventionGenetics, part of Exact Sciences
Classification: Likely benign for AP3D1-related condition. Last evaluated: 2025-08-25. Review status: criteria provided, single submitter. Criteria: ACMG Guidelines, 2015. Collection method: clinical testing. Allele origin: germline.
Comment: This variant is classified as likely benign based on ACMG/AMP sequence variant interpretation guidelines (Richards et al. 2015 PMID: 25741868, with internal and published modifications).

Mayo Clinic Laboratories, Mayo Clinic
Classification: Likely benign. Last evaluated: 2025-05-28. Review status: criteria provided, single submitter. Criteria: ACMG Guidelines, 2015. Collection method: clinical testing. Allele origin: germline. Observed: 1 variant allele.
Comment: BP4, BP7

Blueprint Genetics
Classification: Likely benign. Last evaluated: 2023-12-11. Review status: criteria provided, single submitter. Criteria: ACMG Guidelines, 2015. Collection method: clinical testing. Allele origin: germline.